The following is an entry in ClinVar:

ClinVar aggregate classification (germline): Likely pathogenic (1 of 4 stars; one submission).

Conditions:
Neurodevelopmental-craniofacial syndrome with variable renal and cardiac abnormalities. Identifiers: MedGen C5561984, MONDO:0859190, OMIM 619522.

Submission:

MVZ Medizinische Genetik Mainz
Classification: Likely pathogenic for Neurodevelopmental-craniofacial syndrome with variable renal and cardiac abnormalities. Last evaluated: 2026-07-15. Review status: criteria provided, single submitter. Criteria: UK Practice Guidelines For Variant Classification V4 01 2020. Collection method: clinical testing. Allele origin: germline. Inheritance: Autosomal dominant inheritance. Affected: yes. Observed: 1 variant allele.
Comment: ACMG Criteria: PVS1,PM2_SUP

NM_197968.4(ZMYM2):c.3356_3359del (p.Asn1119fs)

Gene: ZMYM2 (zinc finger MYM-type containing 2; plus strand). Cytogenetic location: 13q12.11.
Variant type: Deletion.
Coding change: c.3356_3359del on transcript NM_197968.4 (MANE Select); coding-DNA positions 3356 to 3359, 4 bases deleted (ACTA; older notation c.3356_3359delACTA).
Protein change: p.Asn1119fs; shifts the reading frame from asparagine 1119.
Molecular consequence: frameshift variant. On other transcripts: non-coding transcript variant (1).
Genome position (GRCh38, 1-based): chr13:20,067,293-20,067,296, ACTA deleted; deleting any 4 consecutive bases within chr13:20,067,291-20,067,296 gives the same sequence; the c. name uses the placement nearest the transcript's 3' end. VCF-style (leftmost placement, unchanged base first): chr13-20067290-TTAAC-T. GRCh37 (hg19) VCF-style: chr13-20641430-TTAAC-T.
Other names: c.3356_3359del, p.Asn1119fs (NM_001190964.4, NM_001190965.4, NM_001353157.2 and 5 more transcripts); c.3161_3164del, p.Asn1054fs (NM_001353161.3); c.3095_3098del, p.Asn1032fs (NM_001353163.2); short protein forms N1032fs, N1054fs, N1119fs.
Identifiers: ClinVar variation 5038247 (VCV005038247.1).